The following is an entry in ClinVar:

NM_005909.5(MAP1B):c.5362A>G (p.Thr1788Ala)

Gene: MAP1B (microtubule associated protein 1B; plus strand). Cytogenetic location: 5q13.2.
Variant type: single nucleotide variant.
Coding change: c.5362A>G on transcript NM_005909.5 (MANE Select); coding-DNA position 5362, A replaced by G.
Protein change: p.Thr1788Ala; replaces threonine 1788 with alanine.
Molecular consequence: missense variant.
Genome position (GRCh38, 1-based): chr5:72,198,717, A>G. VCF-style: chr5-72198717-A-G. GRCh37 (hg19) VCF-style: chr5-71494544-A-G.
Other names: c.4984A>G, p.Thr1662Ala (NM_001324255.2); short protein forms T1662A, T1788A.
Identifiers: ClinVar variation 5009973 (VCV005009973.1).

ClinVar aggregate classification (germline): Uncertain significance (1 of 4 stars; one submission).

Submission:

GeneDx
Classification: Uncertain significance. Last evaluated: 2026-02-24. Review status: criteria provided, single submitter. Criteria: GeneDx Variant Classification Process June 2021. Collection method: clinical testing. Allele origin: germline.
Comment: Not observed at significant frequency in large population cohorts (gnomAD); In silico analysis suggests that this missense variant does not alter protein structure/function; Has not been previously published as pathogenic or benign to our knowledge